The following is an entry in ClinVar:

NM_001291867.2(NHS):c.2096C>T (p.Ala699Val)

Gene: NHS (NHS actin remodeling regulator; plus strand). Cytogenetic location: Xp22.13.
Variant type: single nucleotide variant.
Coding change: c.2096C>T on transcript NM_001291867.2 (MANE Select); coding-DNA position 2096, C replaced by T.
Protein change: p.Ala699Val; replaces alanine 699 with valine.
Molecular consequence: missense variant.
Genome position (GRCh38, 1-based): chrX:17,726,202, C>T. VCF-style: chrX-17726202-C-T. GRCh37 (hg19) VCF-style: chrX-17744322-C-T.
Other names: c.2033C>T (NM_198270.2, NM_198270.3); c.1565C>T, p.Ala522Val (NM_001136024.4); c.1502C>T, p.Ala501Val (NM_001291868.2); c.2033C>T, p.Ala678Val (NM_198270.4); short protein forms A501V, A522V, A678V, A699V.
Identifiers: ClinVar variation 2061363 (VCV002061363.9), dbSNP rs751367696, ClinGen allele CA10358692.

ClinVar aggregate classification (germline): Benign/Likely benign. Review status: criteria provided, multiple submitters, no conflicts (2 of 4 stars). 3 submissions from 3 submitters: Benign (1); Likely benign (1). 1 of the submissions does not count toward it. Last evaluated 2026-01-21.

Conditions:
NHS-related disorder. Also called: NHS-related condition.
Inborn genetic diseases. Identifiers: MedGen C0950123, MeSH D030342.
Nance-Horan syndrome (NHS). Identifiers: Orphanet 627, MedGen C0796085, MONDO:0010545, OMIM 302350.

Allele frequency attached by ClinVar (database versions not stated): gnomAD 0.00002; ExAC 0.00006; TOPMed 0.00006.
gnomAD v4.1: 21 of 1,210,434 alleles (0.0017%); highest among the groups gnomAD compares: Admixed American, 0.041%; no homozygotes.

Submissions (4):

Labcorp Genetics (formerly Invitae), Labcorp
Classification: Benign for Nance-Horan syndrome. Last evaluated: 2026-01-21. Review status: criteria provided, single submitter. Criteria: Invitae Variant Classification Sherloc (09022015). Collection method: clinical testing. Allele origin: germline.

Ambry Genetics
Classification: Likely benign for Inborn genetic diseases. Last evaluated: 2023-08-28. Review status: criteria provided, single submitter. Criteria: Ambry Variant Classification Scheme 2023. Collection method: clinical testing. Allele origin: germline.

PreventionGenetics, part of Exact Sciences
Classification: Likely benign for NHS-related condition. Last evaluated: 2020-08-21. Review status: no assertion criteria provided. Collection method: clinical testing. Allele origin: germline. Not counted in ClinVar's aggregate classification.
Comment: This variant is classified as likely benign based on ACMG/AMP sequence variant interpretation guidelines (Richards et al. 2015 PMID: 25741868, with internal and published modifications).

Dr. Peter K. Rogan Lab, Western University
No classification provided (evidence only). Condition: Thyroid cancer, nonmedullary, 1. Review status: no classification provided. Collection method: in vitro. Allele origin: not applicable. Functional consequence: retained intron. Not counted in ClinVar's aggregate classification.